The following is an entry in ClinVar:

ClinVar aggregate classification (germline): Likely pathogenic (1 of 4 stars; one submission).

Conditions:
Autosomal dominant nonsyndromic hearing loss 23. Identifiers: Orphanet 90635, MedGen C1854594, MONDO:0011519, OMIM 605192.
Branchiootic syndrome 3 (BOS3). Also called: BO SYNDROME 3. Identifiers: MedGen C1842124, MONDO:0012025, OMIM 608389.

Submission:

Labcorp Genetics (formerly Invitae), Labcorp
Classification: Likely pathogenic for Autosomal dominant nonsyndromic hearing loss 23; Branchiootic syndrome 3. Last evaluated: 2025-04-10. Review status: criteria provided, single submitter. Criteria: Invitae Variant Classification Sherloc (09022015). Collection method: clinical testing. Allele origin: germline.
Comment: This sequence change replaces arginine, which is basic and polar, with leucine, which is neutral and non-polar, at codon 110 of the SIX1 protein (p.Arg110Leu). This variant is not present in population databases (gnomAD no frequency). This missense change has been observed in individual(s) with clinical features of branchiootorenal spectrum conditions (internal data). It has also been observed to segregate with disease in related individuals. ClinVar contains an entry for this variant (Variation ID: 1517704). Invitae Evidence Modeling of protein sequence and biophysical properties (such as structural, functional, and spatial information, amino acid conservation, physicochemical variation, residue mobility, and thermodynamic stability) indicates that this missense variant is expected to disrupt SIX1 protein function with a positive predictive value of 80%. This variant disrupts the p.Arg110 amino acid residue in SIX1. Other variant(s) that disrupt this residue have been determined to be pathogenic (PMID: 15141091, 24164807). This suggests that this residue is clinically significant, and that variants that disrupt this residue are likely to be disease-causing. In summary, the currently available evidence indicates that the variant is pathogenic, but additional data are needed to prove that conclusively. Therefore, this variant has been classified as Likely Pathogenic.

Literature cited by the submitters: PubMed 15141091; PubMed 24164807.

NM_005982.4(SIX1):c.329G>T (p.Arg110Leu)

Gene: SIX1 (SIX homeobox 1; minus strand). Cytogenetic location: 14q23.1.
Variant type: single nucleotide variant.
Coding change: c.329G>T on transcript NM_005982.4 (MANE Select); coding-DNA position 329, G replaced by T.
Protein change: p.Arg110Leu; replaces arginine 110 with leucine.
Molecular consequence: missense variant.
Genome position (GRCh38, 1-based): chr14:60,648,861, C>A on the plus strand (G>T on the coding strand, the complement: SIX1 is on the minus strand). VCF-style: chr14-60648861-C-A. GRCh37 (hg19) VCF-style: chr14-61115579-C-A.
Other names: short protein forms R110L.
Identifiers: ClinVar variation 1517704 (VCV001517704.7), dbSNP rs1064794308, ClinGen allele CA389910544.